The following is an entry in ClinVar:

NM_173689.7(CRB2):c.2701C>T (p.Arg901Cys)

Gene: CRB2 (crumbs cell polarity complex component 2; plus strand). Cytogenetic location: 9q33.3.
Variant type: single nucleotide variant.
Coding change: c.2701C>T on transcript NM_173689.7 (MANE Select); coding-DNA position 2701, C replaced by T.
Protein change: p.Arg901Cys; replaces arginine 901 with cysteine.
Molecular consequence: missense variant. On other transcripts: non-coding transcript variant (1).
Genome position (GRCh38, 1-based): chr9:123,373,232, C>T. VCF-style: chr9-123373232-C-T. GRCh37 (hg19) VCF-style: chr9-126135511-C-T.
Other names: short protein forms R901C.
Identifiers: ClinVar variation 2230162 (VCV002230162.2), dbSNP rs1269007696, ClinGen allele CA374867259.

ClinVar aggregate classification (germline): Uncertain significance (1 of 4 stars; one submission).

Conditions:
Inborn genetic diseases. Identifiers: MedGen C0950123, MeSH D030342.

Allele frequency attached by ClinVar (database versions not stated): gnomAD 0.00001.
gnomAD v4.1: 11 of 1,506,012 alleles (0.00073%); highest among the groups gnomAD compares: Middle Eastern, 0.02%; no homozygotes.

Submission:

Ambry Genetics
Classification: Uncertain significance for Inborn genetic diseases. Last evaluated: 2021-04-21. Review status: criteria provided, single submitter. Criteria: Ambry Variant Classification Scheme 2023. Collection method: clinical testing. Allele origin: germline.
Comment: The c.2701C>T (p.R901C) alteration is located in exon 10 (coding exon 10) of the CRB2 gene. This alteration results from a C to T substitution at nucleotide position 2701, causing the arginine (R) at amino acid position 901 to be replaced by a cysteine (C). The in silico prediction for the p.R901C alteration is inconclusive. Based on insufficient or conflicting evidence, the clinical significance of this alteration remains unclear.